The following is an entry in ClinVar:

NM_014000.3(VCL):c.3340A>G (p.Ile1114Val)

Gene: VCL (vinculin; plus strand). Cytogenetic location: 10q22.2.
Variant type: single nucleotide variant.
Coding change: c.3340A>G on transcript NM_014000.3 (MANE Select); coding-DNA position 3340, A replaced by G.
Protein change: p.Ile1114Val; replaces isoleucine 1114 with valine.
Molecular consequence: missense variant.
Genome position (GRCh38, 1-based): chr10:74,118,104, A>G. VCF-style: chr10-74118104-A-G. GRCh37 (hg19) VCF-style: chr10-75877862-A-G.
Other names: c.3136A>G, p.Ile1046Val (NM_003373.4); short protein forms I1046V, I1114V.
Identifiers: ClinVar variation 3392596 (VCV003392596.2).

ClinVar aggregate classification (germline): Uncertain significance. Review status: criteria provided, multiple submitters, no conflicts (2 of 4 stars). 2 submissions from 2 submitters: Uncertain significance (2). Last evaluated 2026-06-25.

Conditions:
Cardiovascular phenotype. Identifiers: MedGen CN230736.

gnomAD v4.1: 5 of 1,614,154 alleles (0.00031%); highest among the groups gnomAD compares: African/African-American, 0.0027%; no homozygotes.

Submissions (2):

Ambry Genetics
Classification: Uncertain significance for Cardiovascular phenotype. Last evaluated: 2026-06-25. Review status: criteria provided, single submitter. Criteria: Ambry Variant Classification Scheme 2023. Collection method: clinical testing. Allele origin: germline.
Comment: The p.I1114V variant (also known as c.3340A>G), located in coding exon 22 of the VCL gene, results from an A to G substitution at nucleotide position 3340. The isoleucine at codon 1114 is replaced by valine, an amino acid with highly similar properties. This amino acid position is conserved. In addition, this alteration is predicted to be tolerated by in silico analysis. Based on the available evidence, the clinical significance of this variant remains unclear.

GeneDx
Classification: Uncertain significance. Last evaluated: 2024-06-25. Review status: criteria provided, single submitter. Criteria: GeneDx Variant Classification Process June 2021. Collection method: clinical testing. Allele origin: germline. Affected: yes.
Comment: Not observed at significant frequency in large population cohorts (gnomAD); In silico analysis indicates that this missense variant does not alter protein structure/function; Has not been previously published as pathogenic or benign to our knowledge